The following is an entry in ClinVar:

ClinVar aggregate classification (germline): Uncertain significance (1 of 4 stars; one submission).

Conditions:
Renal cell carcinoma. Identifiers: Orphanet 217071, MedGen C0007134, MeSH D002292, MONDO:0005086, HP:0005584.

Submission:

Labcorp Genetics (formerly Invitae), Labcorp
Classification: Uncertain significance for Renal cell carcinoma. Last evaluated: 2023-03-27. Review status: criteria provided, single submitter. Criteria: Invitae Variant Classification Sherloc (09022015). Collection method: clinical testing. Allele origin: germline.
Comment: In summary, the available evidence is currently insufficient to determine the role of this variant in disease. Therefore, it has been classified as a Variant of Uncertain Significance. Advanced modeling of protein sequence and biophysical properties (such as structural, functional, and spatial information, amino acid conservation, physicochemical variation, residue mobility, and thermodynamic stability) performed at Invitae indicates that this missense variant is not expected to disrupt MET protein function. This variant has not been reported in the literature in individuals affected with MET-related conditions. This variant is not present in population databases (gnomAD no frequency). This sequence change replaces phenylalanine, which is neutral and non-polar, with leucine, which is neutral and non-polar, at codon 281 of the MET protein (p.Phe281Leu).

NM_000245.4(MET):c.841T>C (p.Phe281Leu)

Gene: MET (MET proto-oncogene, receptor tyrosine kinase; plus strand). Cytogenetic location: 7q31.2.
Variant type: single nucleotide variant.
Coding change: c.841T>C on transcript NM_000245.4 (MANE Select); coding-DNA position 841, T replaced by C.
Protein change: p.Phe281Leu; replaces phenylalanine 281 with leucine.
Molecular consequence: missense variant. On other transcripts: intron variant (1).
Genome position (GRCh38, 1-based): chr7:116,699,925, T>C. VCF-style: chr7-116699925-T-C. GRCh37 (hg19) VCF-style: chr7-116339979-T-C.
Other names: c.841T>C, p.Phe281Leu (NM_001127500.3, NM_001324401.3); c.-91+27348T>C (NM_001324402.2); short protein forms F281L.
Identifiers: ClinVar variation 2850030 (VCV002850030.3), dbSNP rs1791504987, ClinGen allele CA368969967.